The following is an entry in ClinVar:

NM_175914.5(HNF4A):c.337G>T (p.Asp113Tyr)

Gene: HNF4A (hepatocyte nuclear factor 4 alpha; plus strand). Cytogenetic location: 20q13.12.
Variant type: single nucleotide variant.
Coding change: c.337G>T on transcript NM_175914.5 (MANE Select); coding-DNA position 337, G replaced by T.
Protein change: p.Asp113Tyr; replaces aspartic acid 113 with tyrosine.
Molecular consequence: missense variant.
Genome position (GRCh38, 1-based): chr20:44,413,711, G>T. VCF-style: chr20-44413711-G-T. GRCh37 (hg19) VCF-style: chr20-43042351-G-T.
Other names: NM_175914.5:c.337G>T; c.403G>T, p.Asp135Tyr (NM_000457.6, NM_178849.3, NM_178850.3); c.337G>T, p.Asp113Tyr (NM_001030003.3, NM_001030004.3); c.382G>T, p.Asp128Tyr (NM_001258355.2); c.328G>T, p.Asp110Tyr (NM_001287182.2, NM_001287183.2, NM_001287184.2); short protein forms D110Y, D113Y, D128Y, D135Y.
Identifiers: ClinVar variation 2505495 (VCV002505495.3), dbSNP rs2515675121, ClinGen allele CA409105441.

ClinVar aggregate classification (germline): Uncertain significance (3 of 4 stars; one submission).

Conditions:
Monogenic diabetes. Identifiers: Orphanet 183625, MedGen C3888631, MONDO:0015967.

Submission:

ClinGen Monogenic Diabetes Variant Curation Expert Panel
Classification: Uncertain significance for Monogenic diabetes. Last evaluated: 2024-02-25. Review status: reviewed by expert panel. Criteria: ClinGen Diabetes ACMG Specifications HNF4A V2.0.0. Collection method: curation. Allele origin: germline. Inheritance: Autosomal dominant inheritance.
Comment: The c.337G>T variant in the hepatocyte nuclear factor-4 alpha gene, HNF4A, causes an amino acid change of aspartic acid to tyrosine at codon 113 (p.(Asp113Tyr)) of NM_175914.5. This variant resides in an amino acid within the HNF-4alpha DNA binding domain that directly binds DNA and is necessary for homodimer formation, which is defined as critical for the protein's function by the ClinGen MDEP (PM1; PMID: 18829458). Functional studies demonstrated the p.Asp113Tyr protein has DNA binding below 60% of wild type, indicating that this variant impacts protein function (PS3_supporting; PMID: 12110948). This variant is absent from gnomAD v2.1.1 (PM2_Supporting). This variant is predicted to be deleterious by computational evidence, with a REVEL score of 0.955, which is greater than the MDEP VCEP threshold of 0.70 (PP3). This variant was identified in an individual with diabetes; however, the calculated MODY probability is <50%, HNF1A was not tested, and the individual had positive anti-GAD antibodies; thus, PP4 criteria was not applied (PMID: 11232004). In summary, c.337G>T meets the criteria to be classified as a VUS for monogenic diabetes. ACMG/AMP criteria applied, as specified by the ClinGen MDEP VCEP (specification version 1.0.0, approved 11/16/2022): PS3_suppporting, PM1, PM2_supporting, PP3.